The following is an entry in ClinVar:

NM_015100.4(POGZ):c.2776G>T (p.Ala926Ser)

Gene: POGZ (pogo transposable element derived with ZNF domain; minus strand). Cytogenetic location: 1q21.3.
Variant type: single nucleotide variant.
Coding change: c.2776G>T on transcript NM_015100.4 (MANE Select); coding-DNA position 2776, G replaced by T.
Protein change: p.Ala926Ser; replaces alanine 926 with serine.
Molecular consequence: missense variant.
Genome position (GRCh38, 1-based): chr1:151,406,259, C>A on the plus strand (G>T on the coding strand, the complement: POGZ is on the minus strand). VCF-style: chr1-151406259-C-A. GRCh37 (hg19) VCF-style: chr1-151378735-C-A.
Other names: c.2749G>T, p.Ala917Ser (NM_001194937.2); c.2590G>T, p.Ala864Ser (NM_001194938.2); c.2797G>T, p.Ala933Ser (NM_001410860.1); c.2491G>T, p.Ala831Ser (NM_145796.4); c.2617G>T, p.Ala873Ser (NM_207171.2); short protein forms A831S, A864S, A873S, A917S, A926S, A933S.
Identifiers: ClinVar variation 2498065 (VCV002498065.1), dbSNP rs1336370871, ClinGen allele CA341948914.
Genomic context (GRCh38, chr1:151,406,259, plus strand): 5'-CCTGATCATCAACATTCAGACATTCGGCTCCCTCTGTAGCCAGCGGTGGAAGGGCTAAAG[C>A]CTGCGGGTGAGTGGGGGTTGGTGGTGGGGTTGCAGTTGAGGCTGGTGATGGGAGTGCTGG-3'
Protein context (NP_055915.2, residues 916-936): TPPPTPTHPQ[Ala926Ser]LALPPLATEG

ClinVar aggregate classification (germline): Uncertain significance (1 of 4 stars; one submission).

Submission:

GeneDx
Classification: Uncertain significance. Last evaluated: 2022-10-04. Review status: criteria provided, single submitter. Criteria: GeneDx Variant Classification Process June 2021. Collection method: clinical testing. Allele origin: germline. Affected: yes.
Comment: Not observed at significant frequency in large population cohorts (gnomAD); In silico analysis supports that this missense variant does not alter protein structure/function; Has not been previously published as pathogenic or benign to our knowledge